The following is an entry in ClinVar:

NC_000003.12:g.169765033C>T

Genes: TERC (telomerase RNA component; minus strand), LOC110806306 (telomerase RNA component (TERC) promoter; plus strand). Cytogenetic location: 3q26.2.
Variant type: single nucleotide variant.
Genome position: GRCh38 VCF-style: chr3-169765033-C-T. GRCh37 (hg19) VCF-style: chr3-169482821-C-T.
Identifiers: ClinVar variation 944937 (VCV000944937.10), dbSNP rs757982667, ClinGen allele CA436716009.

ClinVar aggregate classification (germline): Uncertain significance (1 of 4 stars; one submission).

Conditions:
Dyskeratosis congenita, autosomal dominant 1 (DKCA1). Also called: Dyskeratosis congenita Scoggins type. Identifiers: Orphanet 1775, MedGen C4551974, MONDO:0007485, OMIM 127550. Inheritance: Variable.

Allele frequency attached by ClinVar (database versions not stated): gnomAD exomes below 0.00001.
gnomAD v4.1: 1 of 765,172 alleles (0.00013%); highest among the groups gnomAD compares: Non-Finnish European, 0.00024%; no homozygotes.

Submission:

Labcorp Genetics (formerly Invitae), Labcorp
Classification: Uncertain significance for Dyskeratosis congenita, autosomal dominant 1. Last evaluated: 2024-06-12. Review status: criteria provided, single submitter. Criteria: Invitae Variant Classification Sherloc (09022015). Collection method: clinical testing. Allele origin: germline.
Comment: This variant occurs in the TERC gene, which encodes an RNA molecule that does not result in a protein product. This variant is not present in population databases (gnomAD no frequency). This variant has not been reported in the literature in individuals affected with TERC-related conditions. ClinVar contains an entry for this variant (Variation ID: 944937). This variant is located at the 5’ end of the TERC RNA component (PMID: 15082312, 21844345). The functional significance of this region is not well understood. In summary, the available evidence is currently insufficient to determine the role of this variant in disease. Therefore, it has been classified as a Variant of Uncertain Significance.

Literature cited by the submitters: PubMed 15082312; PubMed 21844345.